The following is an entry in ClinVar:

NM_001048174.2(MUTYH):c.1287G>T (p.Gly429=)

Gene: MUTYH (mutY DNA glycosylase; minus strand). Cytogenetic location: 1p34.1.
Variant type: single nucleotide variant.
Coding change: c.1287G>T on transcript NM_001048174.2 (MANE Select); coding-DNA position 1287, G replaced by T.
Protein change: p.Gly429=; no amino-acid change (glycine 429 retained).
Molecular consequence: synonymous variant. On other transcripts: non-coding transcript variant (2).
Genome position (GRCh38, 1-based): chr1:45,331,287, C>A on the plus strand (G>T on the coding strand, the complement: MUTYH is on the minus strand). VCF-style: chr1-45331287-C-A. GRCh37 (hg19) VCF-style: chr1-45796959-C-A.
Other names: c.1287G>T, p.Gly429= (NM_001048171.2, NM_001048173.2, NM_001293195.2); c.1290G>T, p.Gly430= (NM_001048172.2); c.1371G>T, p.Gly457= (NM_001128425.2); c.1332G>T, p.Gly444= (NM_001293190.2); c.1320G>T, p.Gly440= (NM_001293191.2); c.1011G>T, p.Gly337= (NM_001293192.2, NM_001293196.2); c.942G>T, p.Gly314= (NM_001350650.2, NM_001350651.2); c.1362G>T, p.Gly454= (NM_012222.3).
Identifiers: ClinVar variation 511162 (VCV000511162.2), dbSNP rs1553125186, ClinGen allele CA417702108.

ClinVar aggregate classification (germline): Likely benign. Review status: criteria provided, multiple submitters, no conflicts (2 of 4 stars). 2 submissions from 2 submitters: Likely benign (2). Last evaluated 2025-11-05.

Conditions:
Hereditary cancer-predisposing syndrome. Also called: Hereditary neoplastic syndrome; Hereditary Cancer Syndrome; Neoplastic Syndromes, Hereditary; Tumor predisposition. Identifiers: Orphanet 140162, MedGen C0027672, MeSH D009386, MONDO:0015356.

Submissions (2):

Ambry Genetics
Classification: Likely benign for Hereditary cancer-predisposing syndrome. Last evaluated: 2025-11-05. Review status: criteria provided, single submitter. Criteria: Ambry Variant Classification Scheme 2023. Collection method: clinical testing. Allele origin: germline.

GeneDx
Classification: Likely benign. Last evaluated: 2017-07-31. Review status: criteria provided, single submitter. Criteria: GeneDx Variant Classification (06012015). Collection method: clinical testing. Allele origin: germline. Affected: yes.
Comment: This variant is considered likely benign or benign based on one or more of the following criteria: it is a conservative change, it occurs at a poorly conserved position in the protein, it is predicted to be benign by multiple in silico algorithms, and/or has population frequency not consistent with disease.